The following is an entry in ClinVar:

NM_001106.4(ACVR2B):c.10C>T (p.Pro4Ser)

Genes: ACVR2B-AS1 (ACVR2B antisense RNA 1; minus strand), ACVR2B (activin A receptor type 2B; plus strand), LOC129936486 (ATAC-STARR-seq lymphoblastoid silent region 14212; plus strand). Cytogenetic location: 3p22.2.
Variant type: single nucleotide variant.
Coding change: c.10C>T on transcript NM_001106.4 (MANE Select); coding-DNA position 10, C replaced by T.
Protein change: p.Pro4Ser; replaces proline 4 with serine.
Molecular consequence: missense variant.
Genome position (GRCh38, 1-based): chr3:38,454,332, C>T. VCF-style: chr3-38454332-C-T. GRCh37 (hg19) VCF-style: chr3-38495823-C-T.
Other names: short protein forms P4S.
Identifiers: ClinVar variation 1476215 (VCV001476215.8), dbSNP rs2125710304, ClinGen allele CA352120576.

ClinVar aggregate classification (germline): Uncertain significance (1 of 4 stars; one submission).

Conditions:
Heterotaxy, visceral, 4, autosomal (HTX4). Identifiers: Orphanet 450, MedGen C3151057, MONDO:0013403, OMIM 613751.

Allele frequency attached by ClinVar (database versions not stated): gnomAD exomes below 0.00001.
gnomAD v4.1: 1 of 1,299,416 alleles (0.000077%); highest among the groups gnomAD compares: Non-Finnish European, 0.000098%; no homozygotes.

Submission:

Labcorp Genetics (formerly Invitae), Labcorp
Classification: Uncertain significance for Heterotaxy, visceral, 4, autosomal. Last evaluated: 2022-02-04. Review status: criteria provided, single submitter. Criteria: Invitae Variant Classification Sherloc (09022015). Collection method: clinical testing. Allele origin: germline.
Comment: In summary, the available evidence is currently insufficient to determine the role of this variant in disease. Therefore, it has been classified as a Variant of Uncertain Significance. Advanced modeling of protein sequence and biophysical properties (such as structural, functional, and spatial information, amino acid conservation, physicochemical variation, residue mobility, and thermodynamic stability) performed at Invitae indicates that this missense variant is not expected to disrupt ACVR2B protein function. This variant has not been reported in the literature in individuals affected with ACVR2B-related conditions. This variant is not present in population databases (gnomAD no frequency). This sequence change replaces proline, which is neutral and non-polar, with serine, which is neutral and polar, at codon 4 of the ACVR2B protein (p.Pro4Ser).